The following is an entry in ClinVar:

NM_001145319.2(PLS1):c.725T>C (p.Ile242Thr)

Gene: PLS1 (plastin 1; plus strand). Cytogenetic location: 3q23.
Variant type: single nucleotide variant.
Coding change: c.725T>C on transcript NM_001145319.2 (MANE Select); coding-DNA position 725, T replaced by C.
Protein change: p.Ile242Thr; replaces isoleucine 242 with threonine.
Molecular consequence: missense variant.
Genome position (GRCh38, 1-based): chr3:142,684,151, T>C. VCF-style: chr3-142684151-T-C. GRCh37 (hg19) VCF-style: chr3-142402993-T-C.
Other names: c.725T>C, p.Ile242Thr (NM_001172312.2, NM_002670.3); short protein forms I242T.
Identifiers: ClinVar variation 4987937 (VCV004987937.1).
Genomic context (GRCh38, chr3:142,684,151, plus strand): 5'-AACCTCACTTGGTCTTGGGACTTCTCTGGCAGATCATCAAAGTTGGCCTTTTTGCTGATA[T>C]TGAGATTTCCAGGAATGAAGGTAAGATCATTAGAAATATTTGCTGTTCATTGACATGTAC-3'
Protein context (NP_001138791.1, residues 232-252): QIIKVGLFAD[Ile242Thr]EISRNEALIA

ClinVar aggregate classification (germline): Uncertain significance (1 of 4 stars; one submission).

Conditions:
PLS1-related disorder. Also called: PLS1-related condition.

gnomAD v4.1: 4 of 1,613,968 alleles (0.00025%); highest among the groups gnomAD compares: East Asian, 0.0022%; no homozygotes.

Submission:

PreventionGenetics, part of Exact Sciences
Classification: Uncertain significance for PLS1-related condition. Last evaluated: 2024-11-19. Review status: criteria provided, single submitter. Criteria: ACMG Guidelines, 2015. Collection method: clinical testing. Allele origin: germline.
Comment: The PLS1 c.725T>C variant is predicted to result in the amino acid substitution p.Ile242Thr. To our knowledge, this variant has not been reported in the literature. This variant is reported in 0.0033% of alleles in individuals of South Asian descent in gnomAD. At this time, the clinical significance of this variant is uncertain due to the absence of conclusive functional and genetic evidence.